The following is an entry in ClinVar:

ClinVar aggregate classification (germline): Uncertain significance. Review status: criteria provided, multiple submitters, no conflicts (2 of 4 stars). 3 submissions from 3 submitters: Uncertain significance (3). Last evaluated 2025-06-07.

Conditions:
Inborn genetic diseases. Identifiers: MedGen C0950123, MeSH D030342.

Allele frequency attached by ClinVar (database versions not stated): ExAC 0.00002; gnomAD 0.00002; gnomAD exomes 0.00003; TOPMed 0.00004.

Submissions (3):

Ambry Genetics
Classification: Uncertain significance for Inborn genetic diseases. Last evaluated: 2025-06-07. Review status: criteria provided, single submitter. Criteria: Ambry Variant Classification Scheme 2023. Collection method: clinical testing. Allele origin: germline.

Blueprint Genetics
Classification: Uncertain significance. Last evaluated: 2024-11-22. Review status: criteria provided, single submitter. Criteria: ACMG Guidelines, 2015. Collection method: clinical testing. Allele origin: germline.

Labcorp Genetics (formerly Invitae), Labcorp
Classification: Uncertain significance. Last evaluated: 2024-08-13. Review status: criteria provided, single submitter. Criteria: Invitae Variant Classification Sherloc (09022015). Collection method: clinical testing. Allele origin: germline.
Comment: This sequence change replaces serine, which is neutral and polar, with leucine, which is neutral and non-polar, at codon 91 of the SERPINH1 protein (p.Ser91Leu). This variant is present in population databases (rs750020039, gnomAD 0.007%). This variant has not been reported in the literature in individuals affected with SERPINH1-related conditions. ClinVar contains an entry for this variant (Variation ID: 1906362). Advanced modeling of protein sequence and biophysical properties (such as structural, functional, and spatial information, amino acid conservation, physicochemical variation, residue mobility, and thermodynamic stability) performed at Invitae indicates that this missense variant is not expected to disrupt SERPINH1 protein function with a negative predictive value of 80%. In summary, the available evidence is currently insufficient to determine the role of this variant in disease. Therefore, it has been classified as a Variant of Uncertain Significance.

NM_001235.5(SERPINH1):c.272C>T (p.Ser91Leu)

Gene: SERPINH1 (serpin family H member 1; plus strand). Cytogenetic location: 11q13.5.
Variant type: single nucleotide variant.
Coding change: c.272C>T on transcript NM_001235.5 (MANE Select); coding-DNA position 272, C replaced by T.
Protein change: p.Ser91Leu; replaces serine 91 with leucine.
Molecular consequence: missense variant.
Genome position (GRCh38, 1-based): chr11:75,566,621, C>T. VCF-style: chr11-75566621-C-T. GRCh37 (hg19) VCF-style: chr11-75277666-C-T.
Other names: c.272C>T, p.Ser91Leu (NM_001207014.3); c.272C>T (NM_001235.3); short protein forms S91L.
Identifiers: ClinVar variation 1906362 (VCV001906362.6), dbSNP rs750020039, ClinGen allele CA6190768.